The following is an entry in ClinVar:

NM_001267550.2(TTN):c.75099C>T (p.Asp25033=)

Genes: TTN (titin; minus strand), TTN-AS1 (TTN antisense RNA 1; plus strand). Cytogenetic location: 2q31.2.
Variant type: single nucleotide variant.
Coding change: c.75099C>T on transcript NM_001267550.2 (MANE Select); coding-DNA position 75099, C replaced by T.
Protein change: p.Asp25033=; no amino-acid change (aspartic acid 25033 retained).
Molecular consequence: synonymous variant.
Genome position (GRCh38, 1-based): chr2:178,571,033, G>A on the plus strand (C>T on the coding strand, the complement: TTN is on the minus strand). VCF-style: chr2-178571033-G-A. GRCh37 (hg19) VCF-style: chr2-179435760-G-A.
Other names: c.70176C>T, p.Asp23392= (NM_001256850.1); c.47904C>T, p.Asp15968= (NM_003319.4); c.67395C>T, p.Asp22465= (NM_133378.4); c.48279C>T, p.Asp16093= (NM_133432.3); c.48480C>T, p.Asp16160= (NM_133437.4).
Identifiers: ClinVar variation 500694 (VCV000500694.51), dbSNP rs370272814, ClinGen allele CA1990105.

ClinVar aggregate classification (germline): Conflicting classifications of pathogenicity. Review status: criteria provided, conflicting classifications (1 of 4 stars). 7 submissions from 7 submitters: Uncertain significance (2); Benign (1); Likely benign (4). Last evaluated 2026-01-31.

Conditions:
Dilated cardiomyopathy 1G (CMD1G). Identifiers: Orphanet 154, MedGen C1858763, MONDO:0011400, OMIM 604145.
Autosomal recessive limb-girdle muscular dystrophy type 2J (LGMDR10). Also called: Limb-girdle muscular dystrophy, type 2J; MUSCULAR DYSTROPHY, LIMB-GIRDLE, AUTOSOMAL RECESSIVE 10. Identifiers: Orphanet 140922, MedGen C1837342, MONDO:0012127, OMIM 608807.
Cardiovascular phenotype. Identifiers: MedGen CN230736.

Allele frequency attached by ClinVar (database versions not stated): ExAC 0.00007; ESP Exome Variant Server 0.00025; TOPMed 0.00003; gnomAD 0.00005 and 0.00006; gnomAD exomes 0.00006.
gnomAD v4.1: 71 of 1,612,174 alleles (0.0044%); highest among the groups gnomAD compares: Middle Eastern, 0.016%; no homozygotes.

Submissions (7):

Labcorp Genetics (formerly Invitae), Labcorp
Classification: Likely benign for Dilated cardiomyopathy 1G; Autosomal recessive limb-girdle muscular dystrophy type 2J. Last evaluated: 2026-01-31. Review status: criteria provided, single submitter. Criteria: Invitae Variant Classification Sherloc (09022015). Collection method: clinical testing. Allele origin: germline.

Women's Health and Genetics/Laboratory Corporation of America, LabCorp
Classification: Likely benign. Last evaluated: 2025-12-02. Review status: criteria provided, single submitter. Criteria: LabCorp Variant Classification Summary - May 2015. Collection method: clinical testing. Allele origin: germline.

CeGaT Center for Human Genetics Tuebingen
Classification: Likely benign. Last evaluated: 2024-06-01. Review status: criteria provided, single submitter. Criteria: CeGaT Center For Human Genetics Tuebingen Variant Classification Criteria Version 2. Collection method: clinical testing. Allele origin: germline. Affected: yes. Observed: 1 variant allele.
Comment: TTN: BP4

Blueprint Genetics
Classification: Likely benign. Last evaluated: 2024-03-15. Review status: criteria provided, single submitter. Criteria: ACMG Guidelines, 2015. Collection method: clinical testing. Allele origin: germline.

Revvity Omics, Revvity
Classification: Uncertain significance. Last evaluated: 2022-09-28. Review status: criteria provided, single submitter. Criteria: ACMG Guidelines, 2015. Collection method: clinical testing. Allele origin: germline.

Ambry Genetics
Classification: Benign for Cardiovascular phenotype. Last evaluated: 2020-08-06. Review status: criteria provided, single submitter. Criteria: Ambry Variant Classification Scheme 2023. Collection method: clinical testing. Allele origin: germline.

Eurofins Ntd Llc (ga)
Classification: Uncertain significance. Last evaluated: 2017-03-05. Review status: criteria provided, single submitter. Criteria: EGL Classification Definitions 2015. Collection method: clinical testing. Allele origin: germline. Observed: 1 variant allele, 1 heterozygote.